The following is an entry in ClinVar:

ClinVar aggregate classification (germline): Uncertain significance. Review status: criteria provided, multiple submitters, no conflicts (2 of 4 stars). 4 submissions from 4 submitters: Uncertain significance (4). Last evaluated 2026-01-25.

Conditions:
Inborn genetic diseases. Identifiers: MedGen C0950123, MeSH D030342.

Allele frequency attached by ClinVar (database versions not stated): ExAC 0.00003; gnomAD 0.00004 and 0.00005; TOPMed 0.00005.
gnomAD v4.1: 19 of 1,613,704 alleles (0.0012%); highest among the groups gnomAD compares: African/African-American, 0.0093%; no homozygotes.

Submissions (4):

Labcorp Genetics (formerly Invitae), Labcorp
Classification: Uncertain significance. Last evaluated: 2026-01-25. Review status: criteria provided, single submitter. Criteria: Invitae Variant Classification Sherloc (09022015). Collection method: clinical testing. Allele origin: germline.
Comment: This sequence change replaces arginine, which is basic and polar, with glutamine, which is neutral and polar, at codon 436 of the OBSL1 protein (p.Arg436Gln). This variant is present in population databases (rs760634144, gnomAD 0.01%). This variant has not been reported in the literature in individuals affected with OBSL1-related conditions. ClinVar contains an entry for this variant (Variation ID: 497454). An algorithm developed to predict the effect of missense changes on protein structure and function (PolyPhen-2) suggests that this variant is likely to be disruptive. In summary, the available evidence is currently insufficient to determine the role of this variant in disease. Therefore, it has been classified as a Variant of Uncertain Significance.

Ambry Genetics
Classification: Uncertain significance for Inborn genetic diseases. Last evaluated: 2023-08-02. Review status: criteria provided, single submitter. Criteria: Ambry Variant Classification Scheme 2023. Collection method: clinical testing. Allele origin: germline.

Blueprint Genetics
Classification: Uncertain significance. Last evaluated: 2018-11-25. Review status: criteria provided, single submitter. Criteria: ACMG Guidelines, 2015. Collection method: clinical testing. Allele origin: germline.

Eurofins Ntd Llc (ga)
Classification: Uncertain significance. Last evaluated: 2016-10-10. Review status: criteria provided, single submitter. Criteria: EGL Classification Definitions 2015. Collection method: clinical testing. Allele origin: germline. Observed: 1 variant allele, 1 heterozygote.

NM_015311.3(OBSL1):c.1307G>A (p.Arg436Gln)

Gene: OBSL1 (obscurin like cytoskeletal adaptor 1; minus strand). Cytogenetic location: 2q35.
Variant type: single nucleotide variant.
Coding change: c.1307G>A on transcript NM_015311.3 (MANE Select); coding-DNA position 1307, G replaced by A.
Protein change: p.Arg436Gln; replaces arginine 436 with glutamine.
Molecular consequence: missense variant.
Genome position (GRCh38, 1-based): chr2:219,567,945, C>T on the plus strand (G>A on the coding strand, the complement: OBSL1 is on the minus strand). VCF-style: chr2-219567945-C-T. GRCh37 (hg19) VCF-style: chr2-220432667-C-T.
Other names: c.1307G>A, p.Arg436Gln (NM_001173431.2, NM_001173408.2); c.1307G>A (NM_015311.2); short protein forms R436Q.
Identifiers: ClinVar variation 497454 (VCV000497454.10), dbSNP rs760634144, ClinGen allele CA2131557.
Genomic context (GRCh38, chr2:219,567,945, plus strand): 5'-CCGGCCTCTAGAGTTTCCACTAGCAGCACAGCATTCTCTCCTTCCAGGACGTCGAGCTTC[C>T]GGGGCAGGCGCTTCAGGATGGGCCCTGAGATGCGGACAGGAATCCATCAACCTGGAATCT-3'
Protein context (NP_056126.1, residues 426-446): VKGPILKRLP[Arg436Gln]KLDVLEGENA